The following is an entry in ClinVar:

NM_001987.5(ETV6):c.-29G>A

Gene: ETV6 (ETS variant transcription factor 6; plus strand). Cytogenetic location: 12p13.2.
Variant type: single nucleotide variant.
Coding change: c.-29G>A on transcript NM_001987.5 (MANE Select); 29 bases upstream of the start codon, G replaced by A.
Molecular consequence: 5 prime UTR variant.
Genome position (GRCh38, 1-based): chr12:11,650,099, G>A. VCF-style: chr12-11650099-G-A. GRCh37 (hg19) VCF-style: chr12-11803033-G-A.
Other names: c.-29G>A (NM_001413913.1, NM_001413916.1, NM_001413917.1 and 1 more transcripts); c.-181G>A (NM_001413914.1); c.-163G>A (NM_001413915.1).
Identifiers: ClinVar variation 2581206 (VCV002581206.1), dbSNP rs764657313, ClinGen allele CA6453977.

ClinVar aggregate classification (germline): Uncertain significance (1 of 4 stars; one submission).

Allele frequency attached by ClinVar (database versions not stated): TOPMed 0.00004.
gnomAD v4.1: 92 of 1,612,134 alleles (0.0057%); highest among the groups gnomAD compares: Non-Finnish European, 0.0071%; 1 homozygote.

Submission:

Women's Health and Genetics/Laboratory Corporation of America, LabCorp
Classification: Uncertain significance. Last evaluated: 2023-08-02. Review status: criteria provided, single submitter. Criteria: LabCorp Variant Classification Summary - May 2015. Collection method: clinical testing. Allele origin: germline.
Comment: Variant summary: ETV6 c.-29G>A is located in the untranslated mRNA region upstream of the initiation codon. The variant allele was found at a frequency of 3.6e-05 in 250874 control chromosomes (gnomAD). The available data on variant occurrences in the general population are insufficient to allow any conclusion about variant significance. To our knowledge, no occurrence of c.-29G>A in individuals affected with Thrombocytopenia 5 and no experimental evidence demonstrating its impact on protein function have been reported. No submitters have cited clinical-significance assessments for this variant to ClinVar after 2014. Based on the evidence outlined above, the variant was classified as uncertain significance.